The following is an entry in ClinVar:

ClinVar aggregate classification (germline): Conflicting classifications of pathogenicity. Review status: criteria provided, conflicting classifications (1 of 4 stars). 3 submissions from 3 submitters: Uncertain significance (2); Likely benign (1). Last evaluated 2025-12-22.

Conditions:
SNRNP200-related disorder. Also called: SNRNP200-related condition.

Allele frequency attached by ClinVar (database versions not stated): ExAC 0.00006; gnomAD exomes 0.00006; TOPMed 0.00009; 1000 Genomes Project 30x 0.00047; 1000 Genomes Project 0.00060.
gnomAD v4.1: 82 of 1,614,014 alleles (0.0051%); highest among the groups gnomAD compares: Middle Eastern, 0.033%; no homozygotes.

Submissions (3):

Labcorp Genetics (formerly Invitae), Labcorp
Classification: Likely benign. Last evaluated: 2025-12-22. Review status: criteria provided, single submitter. Criteria: Invitae Variant Classification Sherloc (09022015). Collection method: clinical testing. Allele origin: germline.

PreventionGenetics, part of Exact Sciences
Classification: Uncertain significance for SNRNP200-related condition. Last evaluated: 2025-10-22. Review status: criteria provided, single submitter. Criteria: ACMG Guidelines, 2015. Collection method: clinical testing. Allele origin: germline.
Comment: The SNRNP200 c.4346A>G variant is predicted to result in the amino acid substitution p.Asn1449Ser. To our knowledge, this variant has not been reported in the literature. This variant is reported in 0.016% of alleles in individuals of South Asian descent in gnomAD. At this time, the clinical significance of this variant is uncertain due to the absence of conclusive functional and genetic evidence.

Blueprint Genetics
Classification: Uncertain significance. Last evaluated: 2024-03-21. Review status: criteria provided, single submitter. Criteria: ACMG Guidelines, 2015. Collection method: clinical testing. Allele origin: germline.

NM_014014.5(SNRNP200):c.4346A>G (p.Asn1449Ser)

Gene: SNRNP200 (small nuclear ribonucleoprotein U5 subunit 200; minus strand). Cytogenetic location: 2q11.2.
Variant type: single nucleotide variant.
Coding change: c.4346A>G on transcript NM_014014.5 (MANE Select); coding-DNA position 4346, A replaced by G.
Protein change: p.Asn1449Ser; replaces asparagine 1449 with serine.
Molecular consequence: missense variant.
Genome position (GRCh38, 1-based): chr2:96,284,404, T>C on the plus strand (A>G on the coding strand, the complement: SNRNP200 is on the minus strand). VCF-style: chr2-96284404-T-C. GRCh37 (hg19) VCF-style: chr2-96950142-T-C.
Other names: short protein forms N1449S.
Identifiers: ClinVar variation 955863 (VCV000955863.10), dbSNP rs575003767, ClinGen allele CA1778237.